The following is an entry in ClinVar:

NM_003038.5(SLC1A4):c.971dup (p.Asn324fs)

Gene: SLC1A4 (solute carrier family 1 member 4; plus strand). Cytogenetic location: 2p14.
Variant type: Duplication.
Coding change: c.971dup on transcript NM_003038.5 (MANE Select); coding-DNA position 971, one base duplicated (A; older notation c.971dupA).
Protein change: p.Asn324fs; shifts the reading frame from asparagine 324.
Molecular consequence: frameshift variant. On other transcripts: intron variant (1).
Genome position (GRCh38, 1-based): chr2:65,016,610, A duplicated; the last of 6 consecutive A bases (chr2:65,016,605-65,016,610); duplicating any one gives the same sequence. VCF-style (leftmost placement, unchanged base first): chr2-65016604-G-GA. GRCh37 (hg19) VCF-style: chr2-65243738-G-GA.
Other names: c.311dup, p.Asn104fs (NM_001348406.2, NM_001348407.2); c.141-1461dup (NM_001193493.2); short protein forms N104fs, N324fs.
Identifiers: ClinVar variation 2777052 (VCV002777052.3), dbSNP rs2103675757, ClinGen allele CA2659313787.

ClinVar aggregate classification (germline): Pathogenic (1 of 4 stars; one submission).

Submission:

Labcorp Genetics (formerly Invitae), Labcorp
Classification: Pathogenic. Last evaluated: 2023-11-20. Review status: criteria provided, single submitter. Criteria: Invitae Variant Classification Sherloc (09022015). Collection method: clinical testing. Allele origin: germline.
Comment: This sequence change creates a premature translational stop signal (p.Asn324Lysfs*34) in the SLC1A4 gene. It is expected to result in an absent or disrupted protein product. Loss-of-function variants in SLC1A4 are known to be pathogenic (PMID: 26041762, 27848944, 30125339). This variant is not present in population databases (gnomAD no frequency). This variant has not been reported in the literature in individuals affected with SLC1A4-related conditions. For these reasons, this variant has been classified as Pathogenic.

Literature cited by the submitters: PubMed 26041762; PubMed 27848944; PubMed 30125339.